The following is an entry in ClinVar:

NM_000088.4(COL1A1):c.1849G>A (p.Gly617Arg)

Gene: COL1A1 (collagen type I alpha 1 chain; minus strand). Cytogenetic location: 17q21.33.
Variant type: single nucleotide variant.
Coding change: c.1849G>A on transcript NM_000088.4 (MANE Select); coding-DNA position 1849, G replaced by A.
Protein change: p.Gly617Arg; replaces glycine 617 with arginine.
Molecular consequence: missense variant.
Genome position (GRCh38, 1-based): chr17:50,192,823, C>T on the plus strand (G>A on the coding strand, the complement: COL1A1 is on the minus strand). VCF-style: chr17-50192823-C-T. GRCh37 (hg19) VCF-style: chr17-48270184-C-T.
Other names: short protein forms G617R.
Identifiers: ClinVar variation 3253358 (VCV003253358.1), dbSNP rs72651619.

ClinVar aggregate classification (germline): Pathogenic (1 of 4 stars; one submission).

Submission:

GeneDx
Classification: Pathogenic. Last evaluated: 2023-08-15. Review status: criteria provided, single submitter. Criteria: GeneDx Variant Classification Process June 2021. Collection method: clinical testing. Allele origin: germline. Affected: yes.
Comment: Occurs in the triple helical domain and replaces a glycine in a canonical Gly-X-Y repeat; missense substitution of a canonical glycine residue is expected to disrupt normal protein folding and function, and this is an established mechanism of disease (Jovanovic et al., 2021); Not observed at significant frequency in large population cohorts (gnomAD); In silico analysis supports that this missense variant has a deleterious effect on protein structure/function; This variant is associated with the following publications: (PMID: 25525159, 34007986, 17078022)